The following is an entry in ClinVar:

ClinVar aggregate classification (germline): Uncertain significance (1 of 4 stars; one submission).

Submission:

Greenwood Genetic Center Diagnostic Laboratories, Greenwood Genetic Center
Classification: Uncertain significance. Last evaluated: 2026-04-10. Review status: criteria provided, single submitter. Criteria: ACMG Guidelines, 2015. Collection method: clinical testing. Allele origin: germline.
Comment: PM2

NM_006885.4(ZFHX3):c.4654G>C (p.Glu1552Gln)

Genes: ZFHX3 (zinc finger homeobox 3; minus strand), ZFHX3-AS1 (ZFHX3 antisense RNA 1; plus strand). Cytogenetic location: 16q22.2.
Variant type: single nucleotide variant.
Coding change: c.4654G>C on transcript NM_006885.4 (MANE Select); coding-DNA position 4654, G replaced by C.
Protein change: p.Glu1552Gln; replaces glutamic acid 1552 with glutamine.
Molecular consequence: missense variant.
Genome position (GRCh38, 1-based): chr16:72,798,028, C>G on the plus strand (G>C on the coding strand, the complement: ZFHX3 is on the minus strand). VCF-style: chr16-72798028-C-G. GRCh37 (hg19) VCF-style: chr16-72831927-C-G.
Other names: c.1912G>C, p.Glu638Gln (NM_001164766.2); c.4654G>C, p.Glu1552Gln (NM_001386735.1); short protein forms E1552Q, E638Q.
Identifiers: ClinVar variation 4891208 (VCV004891208.1).
Genomic context (GRCh38, chr16:72,798,028, plus strand): 5'-TATGCAGGTGGGAGACAGAATTGTAGTGTACTAGCAGGATATTCTTTTGAGTGAAAGATT[C>G]CTTGCAGACGGTACACTTGTAAGGGCGAGAAGGGTCTAGGAACTTTTCCATAGTAAAATT-3'
Protein context (NP_008816.3, residues 1542-1562): SRPYKCTVCK[Glu1552Gln]SFTQKNILLV